The following is an entry in ClinVar:

ClinVar aggregate classification (germline): Conflicting classifications of pathogenicity. Review status: criteria provided, conflicting classifications (1 of 4 stars). 2 submissions from 2 submitters: Uncertain significance (1); Likely benign (1). Last evaluated 2025-09-22.

Allele frequency attached by ClinVar (database versions not stated): ESP Exome Variant Server 0.00017; gnomAD exomes 0.00019; gnomAD 0.00020; ExAC 0.00062.
gnomAD v4.1: 316 of 1,525,402 alleles (0.021%); highest among the groups gnomAD compares: Non-Finnish European, 0.021%; 48 homozygotes.

Submissions (2):

Ambry Genetics
Classification: Uncertain significance. Last evaluated: 2025-09-22. Review status: criteria provided, single submitter. Criteria: Ambry Variant Classification Scheme 2023. Collection method: clinical testing. Allele origin: germline.

Women's Health and Genetics/Laboratory Corporation of America, LabCorp
Classification: Likely benign. Last evaluated: 2024-04-03. Review status: criteria provided, single submitter. Criteria: LabCorp Variant Classification Summary - May 2015. Collection method: clinical testing. Allele origin: germline.
Comment: Variant summary: CFHR1 c.889G>A (p.Glu297Lys) results in a conservative amino acid change located in the Sushi/SCR/CCP domain (IPR000436) of the encoded protein sequence. Three of five in-silico tools predict a benign effect of the variant on protein function. The variant allele was found at a frequency of 0.00036 in 237218 control chromosomes in the gnomAD database, including 12 homozygotes. The observed variant frequency is approximately 2 fold of the estimated maximal expected allele frequency for a pathogenic variant in CFHR1 causing Genetic Atypical Hemolytic Uremic Syndrome phenotype (0.00016), strongly suggesting that the variant is benign. To our knowledge, no occurrence of c.889G>A in individuals affected with Genetic Atypical Hemolytic Uremic Syndrome and no experimental evidence demonstrating its impact on protein function have been reported. ClinVar contains an entry for this variant (Variation ID: 2554326). Based on the evidence outlined above, the variant was classified as likely benign.

NM_002113.3(CFHR1):c.889G>A (p.Glu297Lys)

Gene: CFHR1 (complement factor H related 1; plus strand). Cytogenetic location: 1q31.3.
Variant type: single nucleotide variant.
Coding change: c.889G>A on transcript NM_002113.3 (MANE Select); coding-DNA position 889, G replaced by A.
Protein change: p.Glu297Lys; replaces glutamic acid 297 with lysine.
Molecular consequence: missense variant.
Genome position (GRCh38, 1-based): chr1:196,831,895, G>A. VCF-style: chr1-196831895-G-A. GRCh37 (hg19) VCF-style: chr1-196801025-G-A.
Other names: c.838G>A, p.Glu280Lys (NM_001379306.1); c.724G>A, p.Glu242Lys (NM_001379308.1); c.721G>A, p.Glu241Lys (NM_001379309.1); c.694G>A, p.Glu232Lys (NM_001379310.1); c.685G>A, p.Glu229Lys (NM_001379311.1); c.646G>A, p.Glu216Lys (NM_001379312.1); c.727G>A, p.Glu243Lys (NM_001379307.1); short protein forms E242K, E243K, E280K, E229K, E232K, E241K, E216K, E297K.
Identifiers: ClinVar variation 2554326 (VCV002554326.4), dbSNP rs201995028, ClinGen allele CA1306625.